The following is an entry in ClinVar:

NM_177987.3(TUBB8):c.367G>A (p.Glu123Lys)

Gene: TUBB8 (tubulin beta 8 class VIII; minus strand). Cytogenetic location: 10p15.3.
Variant type: single nucleotide variant.
Coding change: c.367G>A on transcript NM_177987.3 (MANE Select); coding-DNA position 367, G replaced by A.
Protein change: p.Glu123Lys; replaces glutamic acid 123 with lysine.
Molecular consequence: missense variant.
Genome position (GRCh38, 1-based): chr10:48,025, C>T on the plus strand (G>A on the coding strand, the complement: TUBB8 is on the minus strand). VCF-style: chr10-48025-C-T. GRCh37 (hg19) VCF-style: chr10-93965-C-T.
Other names: short protein forms E123K.
Identifiers: ClinVar variation 977657 (VCV000977657.3), dbSNP rs562343372, ClinGen allele CA375818891.

ClinVar aggregate classification (germline): Uncertain significance. Review status: criteria provided, single submitter (1 of 4 stars). 2 submissions from 2 submitters: Uncertain significance (1). 1 of the submissions does not count toward it.

Conditions:
Oocyte maturation defect 2 (OZEMA2). Also called: OOCYTE/ZYGOTE/EMBRYO MATURATION ARREST 2. Identifiers: MedGen C4225210, MONDO:0021573, OMIM 616780.

Submissions (2):

Juno Genomics, Hangzhou Juno Genomics, Inc
Classification: Uncertain significance for Oocyte maturation defect 2. Review status: criteria provided, single submitter. Criteria: ACMG Guidelines, 2015. Collection method: clinical testing. Allele origin: germline. Affected: yes.
Comment: Absent from controls (or at extremely low frequency if recessive) in Genome Aggregation Database, Exome Sequencing Project, 1000 Genomes Project, or Exome Aggregation Consortium.;Patient's phenotype or family history is highly specific for a disease with a single genetic etiology.

Center for Reproductive Medicine, Shandong Provincial Hospital Affiliated to Shandong University
Classification: Likely pathogenic for Oocyte maturation defect 2. Last evaluated: 2020-08-31. Review status: no assertion criteria provided. Collection method: case-control. Allele origin: unknown. Affected: yes. Not counted in ClinVar's aggregate classification.